The following is an entry in ClinVar:

NM_080680.3(COL11A2):c.4798C>T (p.Arg1600Ter)

Gene: COL11A2 (collagen type XI alpha 2 chain; minus strand). Cytogenetic location: 6p21.32.
Variant type: single nucleotide variant.
Coding change: c.4798C>T on transcript NM_080680.3 (MANE Select); coding-DNA position 4798, C replaced by T.
Protein change: p.Arg1600Ter; replaces arginine 1600 with a stop codon.
Molecular consequence: nonsense.
Genome position (GRCh38, 1-based): chr6:33,164,917, G>A on the plus strand (C>T on the coding strand, the complement: COL11A2 is on the minus strand). VCF-style: chr6-33164917-G-A. GRCh37 (hg19) VCF-style: chr6-33132694-G-A.
Other names: c.4540C>T (NM_080681.2); c.4618C>T, p.Arg1540Ter (NM_001424108.1); c.3952C>T, p.Arg1318Ter (NM_001424109.1); c.3772C>T, p.Arg1258Ter (NM_001424110.1, NM_001424111.1); c.2752C>T, p.Arg918Ter (NM_001424112.1); c.4477C>T, p.Arg1493Ter (NM_080679.3); c.4540C>T, p.Arg1514Ter (NM_080681.3); short protein forms R918*, R1258*, R1493*, R1514*, R1540*, R1600*, R1318*.
Identifiers: ClinVar variation 2913625 (VCV002913625.5), dbSNP rs2534413642, ClinGen allele CA363617637.

ClinVar aggregate classification (germline): Pathogenic/Likely pathogenic. Review status: criteria provided, multiple submitters, no conflicts (2 of 4 stars). 3 submissions from 3 submitters: Pathogenic (1); Likely pathogenic (2). Last evaluated 2024-05-10.

Conditions:
Fibrochondrogenesis 2 (FBCG2). Identifiers: Orphanet 2021, MedGen C3281128, MONDO:0013795, OMIM 614524.
Otospondylomegaepiphyseal dysplasia, autosomal recessive (OSMEDB). Also called: CHONDRODYSTROPHY WITH SENSORINEURAL DEAFNESS; Insley-Astley syndrome. Identifiers: Orphanet 1427, MedGen CN034493, MONDO:0044206, OMIM 215150.
Otospondylomegaepiphyseal dysplasia, autosomal dominant (OSMEDA). Also called: Pierre Robin syndrome with fetal chondrodysplasia; Stickler syndrome, type 3; COL11A2-Related Stickler Syndrome. Identifiers: Orphanet 166100, Orphanet 3450, MedGen C1848488, MONDO:0008490, OMIM 184840.
Autosomal dominant nonsyndromic hearing loss 13. Identifiers: Orphanet 90635, MedGen C1866095, MONDO:0011159, OMIM 601868.
Autosomal recessive nonsyndromic hearing loss 53. Identifiers: Orphanet 90636, MedGen C1864746, MONDO:0012333, OMIM 609706.

Allele frequency attached by ClinVar (database versions not stated): gnomAD exomes below 0.00001.
gnomAD v4.1: 1 of 1,581,860 alleles (0.000063%); highest among the groups gnomAD compares: Non-Finnish European, 0.000086%; no homozygotes.

Submissions (3):

Fulgent Genetics
Classification: Likely pathogenic for Otospondylomegaepiphyseal dysplasia, autosomal dominant; Otospondylomegaepiphyseal dysplasia, autosomal recessive; Autosomal dominant nonsyndromic hearing loss 13; Autosomal recessive nonsyndromic hearing loss 53; Fibrochondrogenesis 2. Last evaluated: 2024-05-10. Review status: criteria provided, single submitter. Criteria: ACMG Guidelines, 2015. Collection method: clinical testing. Allele origin: germline.

Labcorp Genetics (formerly Invitae), Labcorp
Classification: Pathogenic. Last evaluated: 2023-06-29. Review status: criteria provided, single submitter. Criteria: Invitae Variant Classification Sherloc (09022015). Collection method: clinical testing. Allele origin: germline.
Comment: This variant is not present in population databases (gnomAD no frequency). For these reasons, this variant has been classified as Pathogenic. This variant has not been reported in the literature in individuals affected with COL11A2-related conditions. This sequence change creates a premature translational stop signal (p.Arg1600*) in the COL11A2 gene. It is expected to result in an absent or disrupted protein product. Loss-of-function variants in COL11A2 are known to be pathogenic (PMID: 10677296, 21204229).

Clinical Genetics Laboratory, Skane University Hospital Lund
Classification: Likely pathogenic. Last evaluated: 2022-05-27. Review status: criteria provided, single submitter. Criteria: ACMG Guidelines, 2015. Collection method: clinical testing. Allele origin: germline. Affected: yes.

Literature cited by the submitters: PubMed 10677296 (cited by Labcorp Genetics (formerly Invitae), Labcorp); PubMed 21204229 (cited by Labcorp Genetics (formerly Invitae), Labcorp).